The following is an entry in ClinVar:

NM_001308093.3(GATA4):c.172G>A (p.Gly58Ser)

Gene: GATA4 (GATA binding protein 4). Cytogenetic location: 8p23.1.
Variant type: single nucleotide variant.
Coding change: c.172G>A on transcript NM_001308093.3 (MANE Select); coding-DNA position 172, G replaced by A.
Protein change: p.Gly58Ser; replaces glycine 58 with serine.
Molecular consequence: missense variant. On other transcripts: intron variant (3).
Genome position (GRCh38, 1-based): chr8:11,708,484, G>A. VCF-style: chr8-11708484-G-A. GRCh37 (hg19) VCF-style: chr8-11565993-G-A.
Other names: c.172G>A, p.Gly58Ser (NM_002052.5); c.-6+7706G>A (NM_001308094.2); c.-3+470G>A (NM_001374274.1); c.-3+4180G>A (NM_001374273.1); short protein forms G58S.
Identifiers: ClinVar variation 1306852 (VCV001306852.3), dbSNP rs900532442, ClinGen allele CA172074592.

ClinVar aggregate classification (germline): Uncertain significance. Review status: criteria provided, multiple submitters, no conflicts (2 of 4 stars). 2 submissions from 2 submitters: Uncertain significance (2). Last evaluated 2025-05-27.

Conditions:
Atrioventricular septal defect 4 (AVSD4). Identifiers: MedGen C3280781, MONDO:0013747, OMIM 614430.

Allele frequency attached by ClinVar (database versions not stated): gnomAD 0.00001; TOPMed 0.00001.
gnomAD v4.1: 2 of 1,501,050 alleles (0.00013%); highest among the groups gnomAD compares: African/African-American, 0.0029%; no homozygotes.

Submissions (2):

Labcorp Genetics (formerly Invitae), Labcorp
Classification: Uncertain significance for Atrioventricular septal defect 4. Last evaluated: 2025-05-27. Review status: criteria provided, single submitter. Criteria: Invitae Variant Classification Sherloc (09022015). Collection method: clinical testing. Allele origin: germline.
Comment: This sequence change replaces glycine, which is neutral and non-polar, with serine, which is neutral and polar, at codon 58 of the GATA4 protein (p.Gly58Ser). This variant is not present in population databases (gnomAD no frequency). This variant has not been reported in the literature in individuals affected with GATA4-related conditions. ClinVar contains an entry for this variant (Variation ID: 1306852). Invitae Evidence Modeling of protein sequence and biophysical properties (such as structural, functional, and spatial information, amino acid conservation, physicochemical variation, residue mobility, and thermodynamic stability) indicates that this missense variant is not expected to disrupt GATA4 protein function with a negative predictive value of 95%. In summary, the available evidence is currently insufficient to determine the role of this variant in disease. Therefore, it has been classified as a Variant of Uncertain Significance.

GeneDx
Classification: Uncertain significance. Last evaluated: 2019-07-18. Review status: criteria provided, single submitter. Criteria: GeneDx Variant Classification Process June 2021. Collection method: clinical testing. Allele origin: germline. Affected: yes.
Comment: Not observed in large population cohorts (Lek et al., 2016); In silico analysis, which includes protein predictors and evolutionary conservation, supports that this variant does not alter protein structure/function; Has not been previously published as pathogenic or benign to our knowledge